The following is an entry in ClinVar:

NM_006231.4(POLE):c.5001C>G (p.Phe1667Leu)

Gene: POLE (DNA polymerase epsilon, catalytic subunit; minus strand). Cytogenetic location: 12q24.33.
Variant type: single nucleotide variant.
Coding change: c.5001C>G on transcript NM_006231.4 (MANE Select); coding-DNA position 5001, C replaced by G.
Protein change: p.Phe1667Leu; replaces phenylalanine 1667 with leucine.
Molecular consequence: missense variant.
Genome position (GRCh38, 1-based): chr12:132,642,349, G>C on the plus strand (C>G on the coding strand, the complement: POLE is on the minus strand). VCF-style: chr12-132642349-G-C. GRCh37 (hg19) VCF-style: chr12-133218935-G-C.
Other names: short protein forms F1667L.
Identifiers: ClinVar variation 4862290 (VCV004862290.1).

ClinVar aggregate classification (germline): Uncertain significance (1 of 4 stars; one submission).

Conditions:
Hereditary cancer-predisposing syndrome. Also called: Neoplastic Syndromes, Hereditary; Tumor predisposition; Hereditary Cancer Syndrome; Hereditary neoplastic syndrome. Identifiers: Orphanet 140162, MedGen C0027672, MeSH D009386, MONDO:0015356.

Submission:

Ambry Genetics
Classification: Uncertain significance for Hereditary cancer-predisposing syndrome. Last evaluated: 2026-04-28. Review status: criteria provided, single submitter. Criteria: Ambry Variant Classification Scheme 2023. Collection method: clinical testing. Allele origin: germline.
Comment: The p.F1667L variant (also known as c.5001C>G), located in coding exon 38 of the POLE gene, results from a C to G substitution at nucleotide position 5001. The phenylalanine at codon 1667 is replaced by leucine, an amino acid with highly similar properties. This amino acid position is conserved. In addition, the in silico prediction for this alteration is inconclusive. Based on the available evidence, the clinical significance of this variant remains unclear.